The following is an entry in ClinVar:

ClinVar aggregate classification (germline): Uncertain significance (1 of 4 stars; one submission).

Conditions:
Carey-Fineman-Ziter syndrome 1 (CFZS1). Also called: MYOPATHY, CONGENITAL NONPROGRESSIVE, WITH MOEBIUS SEQUENCE AND ROBIN SEQUENCE. Identifiers: MedGen C5676876, MONDO:0800437, OMIM 254940.

Submission:

Institute of Human Genetics, University of Leipzig Medical Center
Classification: Uncertain significance for Carey-Fineman-Ziter syndrome 1. Last evaluated: 2025-03-06. Review status: criteria provided, single submitter. Criteria: ACMG Guidelines, 2015. Collection method: clinical testing. Allele origin: unknown. Inheritance: Autosomal recessive inheritance. Affected: yes.
Comment: Criteria applied: PM2,PM3_SUP

NM_001080483.3(MYMK):c.539A>T (p.His180Leu)

Gene: MYMK (myomaker, myoblast fusion factor; minus strand). Cytogenetic location: 9q34.2.
Variant type: single nucleotide variant.
Coding change: c.539A>T on transcript NM_001080483.3 (MANE Select); coding-DNA position 539, A replaced by T.
Protein change: p.His180Leu; replaces histidine 180 with leucine.
Molecular consequence: missense variant.
Genome position (GRCh38, 1-based): chr9:133,514,763, T>A on the plus strand (A>T on the coding strand, the complement: MYMK is on the minus strand). VCF-style: chr9-133514763-T-A. GRCh37 (hg19) VCF-style: chr9-136379885-T-A.
Other names: short protein forms H180L.
Identifiers: ClinVar variation 3778721 (VCV003778721.1).